The following is an entry in ClinVar:

ClinVar aggregate classification (germline): Uncertain significance. Review status: criteria provided, multiple submitters, no conflicts (2 of 4 stars). 2 submissions from 2 submitters: Uncertain significance (2). Last evaluated 2024-04-09.

Submissions (2):

Ambry Genetics
Classification: Uncertain significance. Last evaluated: 2024-04-09. Review status: criteria provided, single submitter. Criteria: Ambry Variant Classification Scheme 2023. Collection method: clinical testing. Allele origin: germline.

Labcorp Genetics (formerly Invitae), Labcorp
Classification: Uncertain significance. Last evaluated: 2024-03-13. Review status: criteria provided, single submitter. Criteria: Invitae Variant Classification Sherloc (09022015). Collection method: clinical testing. Allele origin: germline.
Comment: This sequence change replaces glycine, which is neutral and non-polar, with glutamic acid, which is acidic and polar, at codon 191 of the WBP2 protein (p.Gly191Glu). This variant is present in population databases (rs539979648, gnomAD 0.05%). This variant has not been reported in the literature in individuals affected with WBP2-related conditions. Advanced modeling of protein sequence and biophysical properties (such as structural, functional, and spatial information, amino acid conservation, physicochemical variation, residue mobility, and thermodynamic stability) performed at Invitae indicates that this missense variant is not expected to disrupt WBP2 protein function with a negative predictive value of 80%. In summary, the available evidence is currently insufficient to determine the role of this variant in disease. Therefore, it has been classified as a Variant of Uncertain Significance.

NM_012478.4(WBP2):c.572G>A (p.Gly191Glu)

Gene: WBP2 (WW domain binding protein 2; minus strand). Cytogenetic location: 17q25.1.
Variant type: single nucleotide variant.
Coding change: c.572G>A on transcript NM_012478.4 (MANE Select); coding-DNA position 572, G replaced by A.
Protein change: p.Gly191Glu; replaces glycine 191 with glutamic acid.
Molecular consequence: missense variant.
Genome position (GRCh38, 1-based): chr17:75,847,570, C>T on the plus strand (G>A on the coding strand, the complement: WBP2 is on the minus strand). VCF-style: chr17-75847570-C-T. GRCh37 (hg19) VCF-style: chr17-73843651-C-T.
Other names: c.437G>A, p.Gly146Glu (NM_001330499.2); c.572G>A, p.Gly191Glu (NM_001348170.1); short protein forms G146E, G191E.
Identifiers: ClinVar variation 3332614 (VCV003332614.3).
Genomic context (GRCh38, chr17:75,847,570, plus strand): 5'-GGGCCGCTGACCGGAGGTTCCATGGGCCCAGGGTAGGGCGGTGGTGGGGGCTGCACGTAT[C>T]CCATGGCCCCGTCCATCATGGGGGGTCCTGGATAGAACTCTGCTCGGTGAGAGAGTAACA-3'
Protein context (NP_036610.2, residues 181-201): PGPPMMDGAM[Gly191Glu]YVQPPPPPYP